The following is an entry in ClinVar:

NM_005263.5(GFI1):c.574A>C (p.Thr192Pro)

Gene: GFI1 (growth factor independent 1 transcriptional repressor; minus strand). Cytogenetic location: 1p22.1.
Variant type: single nucleotide variant.
Coding change: c.574A>C on transcript NM_005263.5 (MANE Select); coding-DNA position 574, A replaced by C.
Protein change: p.Thr192Pro; replaces threonine 192 with proline.
Molecular consequence: missense variant.
Genome position (GRCh38, 1-based): chr1:92,480,813, T>G on the plus strand (A>C on the coding strand, the complement: GFI1 is on the minus strand). VCF-style: chr1-92480813-T-G. GRCh37 (hg19) VCF-style: chr1-92946370-T-G.
Other names: c.574A>C, p.Thr192Pro (NM_001127215.3, NM_001127216.3); short protein forms T192P.
Identifiers: ClinVar variation 5022394 (VCV005022394.1).

ClinVar aggregate classification (germline): Uncertain significance (1 of 4 stars; one submission).

Submission:

Ambry Genetics
Classification: Uncertain significance. Last evaluated: 2026-08-11. Review status: criteria provided, single submitter. Criteria: Ambry Variant Classification Scheme 2023. Collection method: clinical testing. Allele origin: germline.
Comment: The p.T192P variant (also known as c.574A>C), located in coding exon 3 of the GFI1 gene, results from an A to C substitution at nucleotide position 574. The threonine at codon 192 is replaced by proline, an amino acid with highly similar properties. This amino acid position is conserved. In addition, this alteration is predicted to be tolerated by in silico analysis. Based on the available evidence, the clinical significance of this variant remains unclear.